The following is an entry in ClinVar:

NM_000023.4(SGCA):c.1073C>T (p.Ser358Phe)

Gene: SGCA (sarcoglycan alpha; plus strand). Cytogenetic location: 17q21.33.
Variant type: single nucleotide variant.
Coding change: c.1073C>T on transcript NM_000023.4 (MANE Select); coding-DNA position 1073, C replaced by T.
Protein change: p.Ser358Phe; replaces serine 358 with phenylalanine.
Molecular consequence: missense variant. On other transcripts: non-coding transcript variant (1).
Genome position (GRCh38, 1-based): chr17:50,175,346, C>T. VCF-style: chr17-50175346-C-T. GRCh37 (hg19) VCF-style: chr17-48252707-C-T.
Other names: c.701C>T, p.Ser234Phe (NM_001135697.3); short protein forms S234F, S358F.
Identifiers: ClinVar variation 1363267 (VCV001363267.8), dbSNP rs1173172749, ClinGen allele CA400184263.

ClinVar aggregate classification (germline): Uncertain significance (1 of 4 stars; one submission).

Conditions:
Autosomal recessive limb-girdle muscular dystrophy type 2D (LGMDR3). Also called: DUCHENNE-LIKE AUTOSOMAL RECESSIVE MUSCULAR DYSTROPHY, TYPE 2; MUSCULAR DYSTROPHY, LIMB-GIRDLE, AUTOSOMAL RECESSIVE 3; ADHALINOPATHY, PRIMARY. Identifiers: Orphanet 62, MedGen C2936332, MONDO:0011968, OMIM 608099. Disease mechanism: Affects gamma-sarcoglycan and also disrupts the integrity of the entire sarcoglycan complex..

Submission:

Labcorp Genetics (formerly Invitae), Labcorp
Classification: Uncertain significance for Autosomal recessive limb-girdle muscular dystrophy type 2D. Last evaluated: 2021-06-23. Review status: criteria provided, single submitter. Criteria: Invitae Variant Classification Sherloc (09022015). Collection method: clinical testing. Allele origin: germline.
Comment: Advanced modeling of protein sequence and biophysical properties (such as structural, functional, and spatial information, amino acid conservation, physicochemical variation, residue mobility, and thermodynamic stability) performed at Invitae indicates that this missense variant is expected to disrupt SGCA protein function. This variant has not been reported in the literature in individuals with SGCA-related conditions. This variant is not present in population databases (ExAC no frequency). This sequence change replaces serine with phenylalanine at codon 358 of the SGCA protein (p.Ser358Phe). The serine residue is highly conserved and there is a large physicochemical difference between serine and phenylalanine. In summary, the available evidence is currently insufficient to determine the role of this variant in disease. Therefore, it has been classified as a Variant of Uncertain Significance.